The following is an entry in ClinVar:

NM_017780.4(CHD7):c.281del (p.Pro94fs)

Gene: CHD7 (chromodomain helicase DNA binding protein 7; plus strand). Cytogenetic location: 8q12.2.
Variant type: Deletion.
Coding change: c.281del on transcript NM_017780.4 (MANE Select); coding-DNA position 281, one base deleted (C; older notation c.281delC).
Protein change: p.Pro94fs; shifts the reading frame from proline 94.
Molecular consequence: frameshift variant.
Genome position (GRCh38, 1-based): chr8:60,741,713, C deleted; the last of 4 consecutive C bases (chr8:60,741,710-60,741,713); deleting any one gives the same sequence. VCF-style (leftmost placement, unchanged base first): chr8-60741709-AC-A. GRCh37 (hg19) VCF-style: chr8-61654268-AC-A.
Other names: c.281del, p.Pro94fs (NM_001316690.1); short protein forms P94fs.
Identifiers: ClinVar variation 841463 (VCV000841463.7), dbSNP rs1809027236, ClinGen allele CA916080393.

ClinVar aggregate classification (germline): Pathogenic (1 of 4 stars; one submission).

Conditions:
CHARGE syndrome (CHARGE). Also called: Hittner Hirsch Kreh syndrome; CHARGE ASSOCIATION--COLOBOMA, HEART ANOMALY, CHOANAL ATRESIA, RETARDATION, GENITAL AND EAR ANOMALIES; Coloboma, heart anomaly, choanal atresia, retardation, genital and ear anomalies; CHARGE association; Hall-Hittner syndrome. Identifiers: Orphanet 138, MedGen C0265354, MONDO:0008965.

Submission:

Labcorp Genetics (formerly Invitae), Labcorp
Classification: Pathogenic for CHARGE syndrome. Last evaluated: 2019-04-03. Review status: criteria provided, single submitter. Criteria: Invitae Variant Classification Sherloc (09022015). Collection method: clinical testing. Allele origin: germline.
Comment: For these reasons, this variant has been classified as Pathogenic. Loss-of-function variants in CHD7 are known to be pathogenic (PMID: 22461308, 25077900). This variant has not been reported in the literature in individuals with CHD7-related conditions. This variant is not present in population databases (ExAC no frequency). This sequence change creates a premature translational stop signal (p.Pro94Leufs*117) in the CHD7 gene. It is expected to result in an absent or disrupted protein product.

Literature cited by the submitters: PubMed 22461308; PubMed 25077900.